The following continues an entry in ClinVar:

NM_001111.5(ADAR):c.577C>G (p.Pro193Ala)

Gene: ADAR. ClinVar aggregate classification (germline): Conflicting classifications of pathogenicity. Pathogenic (21); Likely pathogenic (7); Uncertain significance (1).

Submissions 21 to 36 of 36:

Genetic Services Laboratory, University of Chicago
Classification: Pathogenic. Last evaluated: 2019-03-06. Review status: criteria provided, single submitter. Criteria: ACMG Guidelines, 2015. Collection method: clinical testing. Allele origin: germline. Affected: yes.
Comment: DNA sequence analysis of the ADAR gene demonstrated a sequence change, c.577C>G, in exon 2 that results in an amino acid change, p.Pro193Ala. The p.Pro193Ala change affects a moderately conserved amino acid residue located in a domain of the ADAR protein that is known to be functional. In-silico pathogenicity prediction tools (SIFT, PolyPhen2, Align GVGD, REVEL) provide contradictory results for the p.Pro193Ala substitution. The variant has been reported previously in the compound heterozygous state with another ADAR pathogenic variant in several individuals with Aicardi-Goutieres syndrome (Rice et al., 2012). Functional studies in HEK293 cells transfected with the p.Pro193Ala variant exhibit a significant decrease in RNA-editing enzyme activity (Mannion et al., 2014). This sequence change has been described in the gnomAD database with a population frequency of 0.21% (dbSNP rs145588689). We classify this sequence change as likely pathogenic.

Illumina Laboratory Services, Illumina
Classification: Pathogenic for ADAR-Related Disorders. Last evaluated: 2018-05-11. Review status: criteria provided, single submitter. Criteria: ICSL Variant Classification Criteria 09 May 2019. Collection method: clinical testing. Allele origin: germline.
Comment: The ADAR c.577C>G (p.Pro193Ala) missense variant has been reported in at least three studies in which it is found in a compound heterozygous state in at least 15 probands with ADAR-related disorders, including two sets of siblings and eight affected individuals from five families (Rice et al. 2012; Livingston et al. 2014; Schmelzer et al. 2018). The p.Pro193Ala variant has not been found in any affected individuals with dyschromatosis symmetrica hereditaria. Affected probands exhibited acute or subacute onset of striatal necrosis, early-onset encephalopathy, intracranial calcifications, developmental delay, severe and progressive dystonia, and often exhibited bilateral striatal necrosis (Rice et al. 2012; Livingston et al. 2014). Control data are unavailable for this variant, which is reported at a frequency of 0.003976 in the European population of the 1000 Genomes Project and observed in one homozygote in the Genome Aggregation Database. The p.Pro193Ala variant is reasonably common in the general population but still present at a frequency consistent with autosomal recessive disease. It is also noted that variants in the ADAR gene may have an atypical or milder presentation (Crow et al. 2016). Expression analysis of p.Pro193Ala in HEK293 cells showed a significant reduction in RNA-editing enzyme activity (Mannion et al. 2014). The loss of ADAR in hematopoietic stem cells in mice was associated with upregulation of type-I and type-II interferon-inducible transcripts and rapid apoptosis (Hartner et al. 2009). Based on the evidence, the p.Pro193Ala variant is classified as pathogenic for ADAR-Related disorders. This variant was observed by ICSL as part of a predisposition screen in an ostensibly healthy population.

Mayo Clinic Laboratories, Mayo Clinic
Classification: Likely pathogenic for Aicardi-Goutieres syndrome 6; Symmetrical dyschromatosis of extremities. Last evaluated: 2018-02-15. Review status: criteria provided, single submitter. Criteria: ACMG Guidelines, 2015. Collection method: clinical testing. Allele origin: paternal.

Institute of Human Genetics Munich, TUM University Hospital
Classification: Pathogenic for Aicardi-Goutieres syndrome 6. Last evaluated: 2017-09-08. Review status: criteria provided, single submitter. Criteria: Classification criteria August 2017. Collection method: clinical testing. Allele origin: maternal. Inheritance: Autosomal recessive inheritance. Affected: yes. Observed: 1 compound heterozygote.

Laboratory for Molecular Medicine, Mass General Brigham Personalized Medicine
Classification: Likely pathogenic for Aicardi Goutieres syndrome. Last evaluated: 2017-04-28. Review status: criteria provided, single submitter. Criteria: LMM Criteria. Collection method: clinical testing. Allele origin: germline. Inheritance: Autosomal recessive inheritance. Observed: 2 variant alleles.
Comment: The p.Pro193Ala (NM_001111.4 c.577C>G) variant in ADAR has been reported in at l east 8 affected individuals (two of whom were identical twins) from 5 families w ith Aicardi-Goutieres syndrome (Rice 2012) and 6 individuals from 5 families wit h bilateral striatal necrosis (Livingston 2014). All affected individuals were c ompound heterozygotes with a second ADAR variant. This variant has also been rep orted in ClinVar (Variation ID# 126395). The p.Pro193Ala variant has also been i dentified in 0.3% (199/66,740) of European chromosomes by the Exome Aggregation Consortium (ExAC; dbSNP rs145588689). Although t his variant has been seen in the general population, its frequency is low enough to be consistent with a recessive carrier frequency (of note, the prevalence of the disease is unknown). Computational prediction tools and conservation analys is suggest that the p.Pro193Ala variant may impact the protein, though this info rmation is not predictive enough to determine pathogenicity. In summary, althoug h additional studies are required to fully establish its clinical significance, the p.Pro193Ala variant is likely pathogenic based on its occurrence in individu als with this disease.

Eurofins Ntd Llc (ga)
Classification: Pathogenic. Last evaluated: 2015-12-18. Review status: criteria provided, single submitter. Criteria: EGL Classification Definitions 2015. Collection method: clinical testing. Allele origin: germline. Observed: 8 variant alleles, 8 heterozygotes.

Baylor Genetics
Classification: Pathogenic for Aicardi-Goutieres syndrome 6. Review status: criteria provided, single submitter. Criteria: ACMG Guidelines, 2015. Collection method: clinical testing. Allele origin: unknown.

Clinical Genetics Service, Universitary Hospital 12 de Octubre
Classification: Pathogenic for Aicardi-Goutieres syndrome 6. Review status: criteria provided, single submitter. Criteria: ACMG Guidelines, 2015. Collection method: clinical testing. Allele origin: paternal. Affected: yes.

Suma Genomics
Classification: Likely pathogenic for Aicardi-Goutieres syndrome 6. Review status: criteria provided, single submitter. Criteria: ACMG Guidelines, 2015. Collection method: clinical testing. Allele origin: inherited. Inheritance: Autosomal recessive inheritance. Affected: yes.

OMIM
Classification: Pathogenic for AICARDI-GOUTIERES SYNDROME 6. Last evaluated: 2014-02-01. Review status: no assertion criteria provided. Collection method: literature only. Allele origin: germline. Not counted in ClinVar's aggregate classification.

ClinVar Staff, National Center for Biotechnology Information (NCBI)
Classification: Likely pathogenic for Aicardi-goutieres syndrome 6. Last evaluated: 2013-06-27. Review status: no assertion criteria provided. Collection method: literature only. Allele origin: germline. Affected: yes. Not counted in ClinVar's aggregate classification.

GeneReviews
No classification provided. Condition: Aicardi-Goutieres syndrome 6. Review status: no classification provided. Collection method: literature only. Allele origin: germline. Affected: yes. Not counted in ClinVar's aggregate classification.

Genomics England Pilot Project, Genomics England
Classification: Pathogenic for Aicardi-Goutieres syndrome 6. Review status: no assertion criteria provided. Criteria: ACGS Guidelines, 2016. Collection method: clinical testing. Allele origin: germline. Affected: yes. Not counted in ClinVar's aggregate classification.

Hong-Tao Li Lab, Institute of Brain Science and Brain-inspired Research, Shandong First Medical University & Shandong Academy of Medical Sciences China
Classification: Pathogenic for Aicardi-Goutieres syndrome 6. Review status: no assertion criteria provided. Collection method: research. Allele origin: germline. Inheritance: Autosomal recessive inheritance. Affected: yes. Observed: 1 variant allele, 1 homozygote. Not counted in ClinVar's aggregate classification.
Comment: Observed in affected individuals from a Pakistani neurodevelopmental-disorder research cohort of 263 individuals. Classification assigned using the ACMG/AMP framework. Population-frequency evidence: gnomAD AF 0.002142.

Institute of Human Genetics, University of Leipzig Medical Center
Classification: Uncertain significance for Symmetrical dyschromatosis of extremities. Last evaluated: 2019-01-01. Review status: flagged submission. Criteria: ACMG Guidelines, 2015. Collection method: clinical testing. Allele origin: unknown. Affected: yes. Not counted in ClinVar's aggregate classification.
Comment: This variant was identified as compound heterozygous.
ClinVar note: Reason: Outlier claim with insufficient supporting evidence

Baylor Genetics
Classification: Uncertain significance for Symmetrical dyschromatosis of extremities. Last evaluated: 2018-05-30. Review status: flagged submission. Criteria: ACMG Guidelines, 2015. Collection method: clinical testing. Allele origin: maternal. Affected: yes. Not counted in ClinVar's aggregate classification.
Comment: This variant was determined to be of uncertain significance according to ACMG Guidelines, 2015 [PMID:25741868].
ClinVar note: Reason: Outlier claim with insufficient supporting evidence

Literature cited by the submitters: PubMed 23001123 (cited by 10 submitters); PubMed 26629815 (cited by Dasa and Labcorp Genetics (formerly Invitae), Labcorp); PubMed 33307271 (cited by Dasa and Women's Health and Genetics/Laboratory Corporation of America, LabCorp); PubMed 33289110 (cited by 3 submitters); PubMed 9889202 (cited by Dasa and Labcorp Genetics (formerly Invitae), Labcorp); PubMed 25456137 (cited by 6 submitters); PubMed 34343497 (cited by 4 submitters); PubMed 28139822 (cited by Women's Health and Genetics/Laboratory Corporation of America, LabCorp and Victorian Clinical Genetics Services, Murdoch Childrens Research Institute); PubMed 31772029 (cited by Women's Health and Genetics/Laboratory Corporation of America, LabCorp); PubMed 29603717 (cited by Women's Health and Genetics/Laboratory Corporation of America, LabCorp and Victorian Clinical Genetics Services, Murdoch Childrens Research Institute); PubMed 24262145 (cited by 6 submitters); PubMed 33723056 (cited by Women's Health and Genetics/Laboratory Corporation of America, LabCorp); PubMed 35859177 (cited by Women's Health and Genetics/Laboratory Corporation of America, LabCorp); PubMed 37421629 (cited by Women's Health and Genetics/Laboratory Corporation of America, LabCorp); PubMed 36975179 (cited by Women's Health and Genetics/Laboratory Corporation of America, LabCorp); PubMed 39680957 (cited by Women's Health and Genetics/Laboratory Corporation of America, LabCorp); PubMed 41022715 (cited by Women's Health and Genetics/Laboratory Corporation of America, LabCorp); PubMed 25604658 (cited by Ambry Genetics); PubMed 28518168 (cited by Ambry Genetics); PubMed 28561207 (cited by Ambry Genetics and 3billion); PubMed 29221912 (cited by 3 submitters); PubMed 32461654 (cited by Ambry Genetics); PubMed 19060901 (cited by Illumina Laboratory Services, Illumina); PubMed 20301648 (cited by Illumina Laboratory Services, Illumina); NCBI Bookshelf NBK1475 (cited by GeneReviews).